The following is an entry in ClinVar:

ClinVar aggregate classification (germline): Uncertain significance. Review status: criteria provided, multiple submitters, no conflicts (2 of 4 stars). 2 submissions from 2 submitters: Uncertain significance (2). Last evaluated 2025-06-05.

Conditions:
Hereditary nonpolyposis colorectal neoplasms. Identifiers: MedGen C0009405, MeSH D003123.
Hereditary cancer-predisposing syndrome. Also called: Neoplastic Syndromes, Hereditary; Hereditary Cancer Syndrome; Tumor predisposition; Hereditary neoplastic syndrome. Identifiers: Orphanet 140162, MedGen C0027672, MeSH D009386, MONDO:0015356.

Submissions (2):

Ambry Genetics
Classification: Uncertain significance for Hereditary cancer-predisposing syndrome. Last evaluated: 2025-06-05. Review status: criteria provided, single submitter. Criteria: Ambry Variant Classification Scheme 2023. Collection method: clinical testing. Allele origin: germline.
Comment: The p.P296H variant (also known as c.887C>A), located in coding exon 8 of the PMS2 gene, results from a C to A substitution at nucleotide position 887. The proline at codon 296 is replaced by histidine, an amino acid with similar properties. This amino acid position is conserved. In addition, this alteration is predicted to be deleterious by in silico analysis. Since supporting evidence is limited at this time, the clinical significance of this alteration remains unclear.

Labcorp Genetics (formerly Invitae), Labcorp
Classification: Uncertain significance for Hereditary nonpolyposis colorectal neoplasms. Last evaluated: 2021-09-08. Review status: criteria provided, single submitter. Criteria: Invitae Variant Classification Sherloc (09022015). Collection method: clinical testing. Allele origin: germline.
Comment: This variant is not present in population databases (ExAC no frequency). This sequence change replaces proline with histidine at codon 296 of the PMS2 protein (p.Pro296His). The proline residue is highly conserved and there is a moderate physicochemical difference between proline and histidine. This variant has not been reported in the literature in individuals affected with PMS2-related conditions. Advanced modeling of protein sequence and biophysical properties (such as structural, functional, and spatial information, amino acid conservation, physicochemical variation, residue mobility, and thermodynamic stability) performed at Invitae indicates that this missense variant is expected to disrupt PMS2 protein function. In summary, the available evidence is currently insufficient to determine the role of this variant in disease. Therefore, it has been classified as a Variant of Uncertain Significance.

NM_000535.7(PMS2):c.887C>A (p.Pro296His)

Gene: PMS2 (PMS1 homolog 2, mismatch repair system component; minus strand). Cytogenetic location: 7p22.1.
Variant type: single nucleotide variant.
Coding change: c.887C>A on transcript NM_000535.7 (MANE Select); coding-DNA position 887, C replaced by A.
Protein change: p.Pro296His; replaces proline 296 with histidine.
Molecular consequence: missense variant. On other transcripts: 5 prime UTR variant (2), non-coding transcript variant (1).
Genome position (GRCh38, 1-based): chr7:5,995,550, G>T on the plus strand (C>A on the coding strand, the complement: PMS2 is on the minus strand). VCF-style: chr7-5995550-G-T. GRCh37 (hg19) VCF-style: chr7-6035181-G-T.
Other names: c.482C>A, p.Pro161His (NM_001322003.2, NM_001322004.2, NM_001322005.2 and 2 more transcripts); c.887C>A, p.Pro296His (NM_001322006.2, NM_001322014.2); c.569C>A, p.Pro190His (NM_001322007.2, NM_001322008.2); c.-47C>A (NM_001322011.2, NM_001322012.2); c.314C>A, p.Pro105His (NM_001322013.2); c.578C>A, p.Pro193His (NM_001322015.2); short protein forms P193H, P296H, P105H, P161H, P190H.
Identifiers: ClinVar variation 1473748 (VCV001473748.9), dbSNP rs1562663523, ClinGen allele CA366743428.